The following is an entry in ClinVar:

NM_000535.7(PMS2):c.12_13insC (p.Glu5fs)

Gene: PMS2 (PMS1 homolog 2, mismatch repair system component; minus strand). Cytogenetic location: 7p22.1.
Variant type: Insertion.
Coding change: c.12_13insC on transcript NM_000535.7 (MANE Select); coding-DNA positions 12 to 13, C inserted.
Protein change: p.Glu5fs; shifts the reading frame from glutamic acid 5.
Molecular consequence: frameshift variant. On other transcripts: 5 prime UTR variant (11), non-coding transcript variant (1).
Genome position: GRCh38 VCF-style: chr7-6009007-C-CG. GRCh37 (hg19) VCF-style: chr7-6048638-C-CG.
Other names: c.-389_-388insC (NM_001322003.2, NM_001322013.2); c.-254_-253insC (NM_001322004.2, NM_001322010.2); c.-584_-583insC (NM_001322005.2); c.12_13insC, p.Glu5fs (NM_001322006.2, NM_001322014.2); c.-204_-203insC (NM_001322007.2); c.-64_-63insC (NM_001322008.2); c.-579_-578insC (NM_001322009.2); c.-873_-872insC (NM_001322011.2); and 2 more; short protein forms E5fs.
Identifiers: ClinVar variation 1692454 (VCV001692454.1), dbSNP rs2128866045, ClinGen allele CA2573141963.
Genomic context (GRCh38, chr7:6,009,007, plus strand): 5'-CAAAGAGGGCGCGCGAGAGGGGACACCGGAAGACTGCGAGCCCCGCTCACCTCGAGCTCT[C>CG]AGCTCGCTCCATGGATGCAACACCCGATCCGCCTCGGGGACTGGGAAAGTTCCCTCCAGG-3'

ClinVar aggregate classification (germline): Likely pathogenic (1 of 4 stars; one submission).

Conditions:
Hereditary cancer-predisposing syndrome. Also called: Hereditary Cancer Syndrome; Hereditary neoplastic syndrome; Neoplastic Syndromes, Hereditary; Tumor predisposition. Identifiers: Orphanet 140162, MedGen C0027672, MeSH D009386, MONDO:0015356.

Submission:

Sema4
Classification: Likely pathogenic for Hereditary cancer-predisposing syndrome. Last evaluated: 2020-12-25. Review status: criteria provided, single submitter. Criteria: Sema4 Curation Guidelines. Collection method: curation. Allele origin: germline.
Comment: The PMS2 c.12_13insC (p.E5RfsX9) variant has not been reported in the literature to our knowledge. This variant causes a frameshift at amino acid 5 that results in premature termination 9 amino acids downstream. At this location, this is predicted to cause nonsense-mediated decay and result in an absent protein (loss of function). Loss of function variants in PMS2 are known to be pathogenic (PMID: 24362816) This variant is not reported in the population database Genome Aggregation Database (PMID: 27535533). Based on the current evidence available, this variant is interpreted as likely pathogenic.

Literature cited by the submitters: PubMed 24362816.